The following is an entry in ClinVar:

ClinVar aggregate classification (germline): Uncertain significance (1 of 4 stars; one submission).

Submission:

CeGaT Center for Human Genetics Tuebingen
Classification: Uncertain significance. Last evaluated: 2025-07-01. Review status: criteria provided, single submitter. Criteria: CeGaT Center For Human Genetics Tuebingen Variant Classification Criteria Version 2. Collection method: clinical testing. Allele origin: germline. Affected: yes. Observed: 1 variant allele.
Comment: CACNA1F: PM2, PP3, PP4

NM_001256789.3(CACNA1F):c.1043C>T (p.Pro348Leu)

Gene: CACNA1F (calcium voltage-gated channel subunit alpha1 F; minus strand). Cytogenetic location: Xp11.23.
Variant type: single nucleotide variant.
Coding change: c.1043C>T on transcript NM_001256789.3 (MANE Select); coding-DNA position 1043, C replaced by T.
Protein change: p.Pro348Leu; replaces proline 348 with leucine.
Molecular consequence: missense variant.
Genome position (GRCh38, 1-based): chrX:49,228,111, G>A on the plus strand (C>T on the coding strand, the complement: CACNA1F is on the minus strand). VCF-style: chrX-49228111-G-A. GRCh37 (hg19) VCF-style: chrX-49084573-G-A.
Other names: c.848C>T, p.Pro283Leu (NM_001256790.3); c.1043C>T, p.Pro348Leu (NM_005183.4); short protein forms P283L, P348L.
Identifiers: ClinVar variation 4085394 (VCV004085394.8).